The following is an entry in ClinVar:

NM_001792.5(CDH2):c.352G>A (p.Ala118Thr)

Gene: CDH2 (cadherin 2; minus strand). Cytogenetic location: 18q12.1.
Variant type: single nucleotide variant.
Coding change: c.352G>A on transcript NM_001792.5 (MANE Select); coding-DNA position 352, G replaced by A.
Protein change: p.Ala118Thr; replaces alanine 118 with threonine.
Molecular consequence: missense variant.
Genome position (GRCh38, 1-based): chr18:28,013,730, C>T on the plus strand (G>A on the coding strand, the complement: CDH2 is on the minus strand). VCF-style: chr18-28013730-C-T. GRCh37 (hg19) VCF-style: chr18-25593694-C-T.
Other names: p.Ala118Thr; c.259G>A, p.Ala87Thr (NM_001308176.2); short protein forms A118T, A87T.
Identifiers: ClinVar variation 1273467 (VCV001273467.16), dbSNP rs17445840, ClinGen allele CA8923722.

ClinVar aggregate classification (germline): Benign/Likely benign. Review status: criteria provided, multiple submitters, no conflicts (2 of 4 stars). 7 submissions from 7 submitters: Benign (5); Likely benign (1). 1 of the submissions does not count toward it. Last evaluated 2026-02-04.

Conditions:
CDH2-related disorder. Also called: CDH2-related condition.

Allele frequency attached by ClinVar (database versions not stated): gnomAD 0.04171 and 0.04273; TOPMed 0.04284; ESP Exome Variant Server 0.04498; gnomAD exomes 0.04532 and 0.05177; ExAC 0.04581; 1000 Genomes Project 30x 0.04591; 1000 Genomes Project 0.04633.
gnomAD v4.1: 82,036 of 1,613,106 alleles (5.1%); highest among the groups gnomAD compares: South Asian, 6.7%; 2,320 homozygotes.

Submissions (15):

Labcorp Genetics (formerly Invitae), Labcorp
Classification: Benign. Last evaluated: 2026-02-04. Review status: criteria provided, single submitter. Criteria: Invitae Variant Classification Sherloc (09022015). Collection method: clinical testing. Allele origin: germline.

Molecular Diagnostic Laboratory for Inherited Cardiovascular Disease, Montreal Heart Institute
Classification: Likely benign. Last evaluated: 2025-04-09. Review status: criteria provided, single submitter. Criteria: ACMG Guidelines, 2015. Collection method: clinical testing. Allele origin: germline. Affected: no.

Blueprint Genetics
Classification: Benign. Last evaluated: 2024-11-27. Review status: criteria provided, single submitter. Criteria: ACMG Guidelines, 2015. Collection method: clinical testing. Allele origin: germline.

Mayo Clinic Laboratories, Mayo Clinic
Classification: Benign. Last evaluated: 2022-04-26. Review status: criteria provided, single submitter. Criteria: ACMG Guidelines, 2015. Collection method: clinical testing. Allele origin: germline. Observed: 69 variant alleles.

GeneDx
Classification: Benign. Last evaluated: 2019-01-25. Review status: criteria provided, single submitter. Criteria: GeneDx Variant Classification Process June 2021. Collection method: clinical testing. Allele origin: germline. Affected: yes.

Breakthrough Genomics
Classification: Benign. Review status: criteria provided, single submitter. Criteria: ACMG Guidelines, 2015. Collection method: not provided. Allele origin: germline. Inheritance: Autosomal recessive inheritance. Affected: yes.

PreventionGenetics, part of Exact Sciences
Classification: Benign for CDH2-related condition. Last evaluated: 2019-12-11. Review status: no assertion criteria provided. Collection method: clinical testing. Allele origin: germline. Not counted in ClinVar's aggregate classification.
Comment: This variant is classified as benign based on ACMG/AMP sequence variant interpretation guidelines (Richards et al. 2015 PMID: 25741868, with internal and published modifications).

Dr. Peter K. Rogan Lab, Western University
No classification provided (evidence only). Condition: Colon adenocarcinoma. Review status: no classification provided. Collection method: in vitro. Allele origin: not applicable. Functional consequence: retained intron. Not counted in ClinVar's aggregate classification.

Dr. Peter K. Rogan Lab, Western University
No classification provided (evidence only). Condition: Colorectal cancer. Review status: no classification provided. Collection method: in vitro. Allele origin: not applicable. Functional consequence: retained intron. Not counted in ClinVar's aggregate classification.

Dr. Peter K. Rogan Lab, Western University
No classification provided (evidence only). Condition: Uterine corpus endometrial carcinoma. Review status: no classification provided. Collection method: in vitro. Allele origin: not applicable. Functional consequence: retained intron. Not counted in ClinVar's aggregate classification.

Dr. Peter K. Rogan Lab, Western University
No classification provided (evidence only). Condition: Uterine corpus endometrial carcinoma. Review status: no classification provided. Collection method: in vitro. Allele origin: not applicable. Functional consequence: retained intron. Not counted in ClinVar's aggregate classification.

Dr. Peter K. Rogan Lab, Western University
No classification provided (evidence only). Condition: Thymoma. Review status: no classification provided. Collection method: in vitro. Allele origin: not applicable. Functional consequence: retained intron. Not counted in ClinVar's aggregate classification.

Dr. Peter K. Rogan Lab, Western University
No classification provided (evidence only). Condition: Thymoma. Review status: no classification provided. Collection method: in vitro. Allele origin: not applicable. Functional consequence: retained intron. Not counted in ClinVar's aggregate classification.

Dr. Peter K. Rogan Lab, Western University
No classification provided (evidence only). Condition: Adrenocortical carcinoma, hereditary. Review status: no classification provided. Collection method: in vitro. Allele origin: not applicable. Functional consequence: retained intron. Not counted in ClinVar's aggregate classification.

Dr. Peter K. Rogan Lab, Western University
No classification provided (evidence only). Condition: Adrenocortical carcinoma, hereditary. Review status: no classification provided. Collection method: in vitro. Allele origin: not applicable. Functional consequence: retained intron. Not counted in ClinVar's aggregate classification.